The following is an entry in ClinVar:

ClinVar aggregate classification (germline): Pathogenic (1 of 4 stars; one submission).

Conditions:
Char syndrome (CHAR). Also called: PATENT DUCTUS ARTERIOSUS WITH FACIAL DYSMORPHISM AND ABNORMAL FIFTH DIGITS. Identifiers: Orphanet 46627, MedGen C1868570, MONDO:0008209, OMIM 169100.

Submission:

Medical Genetics, American University of Beirut
Classification: Pathogenic for Char syndrome. Last evaluated: 2017-11-14. Review status: criteria provided, single submitter. Criteria: ACMG Guidelines, 2015. Collection method: clinical testing. Allele origin: de novo. Inheritance: Autosomal dominant inheritance. Affected: yes. Observed: 1 heterozygote.
Comment: Char syndrome is caused by a genetic mutation in the transcription factor AP-2 Beta (TFAP2B) gene and follows an autosomal dominant mode of inheritance. Complete penetrance and variable expression have been reported. Various animal experimental studies showed that the TFAP2B gene product plays a critical role in the remodeling of the patent ductus arteriosus (PDA) as well as limb patterning. Most reported pathogenic variants in TFAP2B gene are missense mutations in the coding region, affecting the basic domain that is critical for DNA binding. Other reported mutations are intronic point mutations that alter splicing, or frameshift deletions.

NM_003221.4(TFAP2B):c.650del (p.Gly217fs)

Gene: TFAP2B (transcription factor AP-2 beta; plus strand). Cytogenetic location: 6p12.3.
Variant type: Deletion.
Coding change: c.650del on transcript NM_003221.4 (MANE Select); coding-DNA position 650, one base deleted (G; older notation c.650delG).
Protein change: p.Gly217fs; shifts the reading frame from glycine 217.
Molecular consequence: frameshift variant.
Genome position (GRCh38, 1-based): chr6:50,836,109, G deleted; the last of 2 consecutive G bases (chr6:50,836,108-50,836,109); deleting either gives the same sequence. VCF-style (leftmost placement, unchanged base first): chr6-50836107-CG-C. GRCh37 (hg19) VCF-style: chr6-50803820-CG-C.
Other names: short protein forms G217fs.
Identifiers: ClinVar variation 599040 (VCV000599040.3), dbSNP rs1561964103, ClinGen allele CA913189653.